The following is an entry in ClinVar:

ClinVar aggregate classification (germline): Conflicting classifications of pathogenicity. Review status: criteria provided, conflicting classifications (1 of 4 stars). 10 submissions from 10 submitters: Uncertain significance (5); Benign (1); Likely benign (2). 2 of the submissions do not count toward it. Last evaluated 2025-12-01.

Conditions:
Hereditary cancer-predisposing syndrome. Also called: Tumor predisposition; Neoplastic Syndromes, Hereditary; Hereditary neoplastic syndrome; Hereditary Cancer Syndrome. Identifiers: Orphanet 140162, MedGen C0027672, MeSH D009386, MONDO:0015356.
Hereditary breast ovarian cancer syndrome. Also called: Hereditary breast and ovarian cancer; Hereditary breast and ovarian cancer syndrome (HBOC); Hereditary breast and/or ovarian cancer syndrome; Breast and ovarian cancer; Hereditary breast and ovarian cancer syndrome; BRCA1- and BRCA2-Associated Hereditary Breast and Ovarian Cancer. Identifiers: Orphanet 145, MedGen C0677776, MeSH D061325, MONDO:0003582. Disease mechanism: loss of function.
Breast-ovarian cancer, familial, susceptibility to, 2 (BROVCA2). Also called: BRCA2 Hereditary Breast and Ovarian Cancer. Identifiers: Orphanet 145, MedGen C2675520, MONDO:0012933, OMIM 612555. Disease mechanism: loss of function.
Familial cancer of breast. Also called: Hereditary breast cancer; BREAST CANCER, FAMILIAL; hereditary breast carcinoma. Identifiers: Orphanet 227535, MedGen C0346153, MONDO:0016419, OMIM 114480. Disease mechanism: loss of function.

Allele frequency attached by ClinVar (database versions not stated): TOPMed 0.00001; ExAC 0.00002; gnomAD exomes 0.00002 and 0.00001; gnomAD 0.00001.
gnomAD v4.1: 8 of 1,613,950 alleles (0.0005%); highest among the groups gnomAD compares: Non-Finnish European, 0.00025%; no homozygotes.

Submissions (10):

Labcorp Genetics (formerly Invitae), Labcorp
Classification: Uncertain significance for Hereditary breast ovarian cancer syndrome. Last evaluated: 2025-12-01. Review status: criteria provided, single submitter. Criteria: Invitae Variant Classification Sherloc (09022015). Collection method: clinical testing. Allele origin: germline.
Comment: This sequence change replaces glutamine, which is neutral and polar, with glutamic acid, which is acidic and polar, at codon 3206 of the BRCA2 protein (p.Gln3206Glu). This variant is present in population databases (rs80359233, gnomAD 0.009%). This missense change has been observed in individual(s) with breast cancer (PMID: 34326862). ClinVar contains an entry for this variant (Variation ID: 38255). Invitae Evidence Modeling of protein sequence and biophysical properties (such as structural, functional, and spatial information, amino acid conservation, physicochemical variation, residue mobility, and thermodynamic stability) indicates that this missense variant is not expected to disrupt BRCA2 protein function with a negative predictive value of 95%. In summary, the available evidence is currently insufficient to determine the role of this variant in disease. Therefore, it has been classified as a Variant of Uncertain Significance.

Ambry Genetics
Classification: Uncertain significance for Hereditary cancer-predisposing syndrome. Last evaluated: 2024-11-18. Review status: criteria provided, single submitter. Criteria: Ambry Variant Classification Scheme 2023. Collection method: clinical testing. Allele origin: germline.
Comment: The p.Q3206E variant (also known as c.9616C>G), located in coding exon 25 of the BRCA2 gene, results from a C to G substitution at nucleotide position 9616. The glutamine at codon 3206 is replaced by glutamic acid, an amino acid with highly similar properties. This variant was identified in an individual diagnosed with ovarian cancer (Caminsky NG et al. Hum Mutat, 2016 07;37:640-52). This amino acid position is not well conserved in available vertebrate species. In addition, this alteration is predicted to be tolerated by in silico analysis. Based on the available evidence, the clinical significance of this variant remains unclear.

Quest Diagnostics Nichols Institute San Juan Capistrano
Classification: Uncertain significance. Last evaluated: 2024-05-07. Review status: criteria provided, single submitter. Criteria: Quest Diagnostics criteria. Collection method: clinical testing. Allele origin: unknown.
Comment: The BRCA2 c.9616C>G (p.Gln3206Glu) variant has been reported in the published literature in individuals with breast and/or ovarian cancer (PMIDs: 26898890 (2016), 34326862 (2021), as well as in a breast cancer case and a reportedly healthy individual in a large scale breast cancer association study (PMID: 33471991 (2021), see also LOVD). It was also reported in individuals with Cowden Syndrome (CS)/CS-like and Bannayan-Riley-Ruvalcaba syndrome (BRRS) (PMID: 29684080 (2018)). The frequency of this variant in the general population, 0.000016 (4/251370 chromosomes (Genome Aggregation Database)), is uninformative in the assessment of its pathogenicity. Analysis of this variant using bioinformatics tools for the prediction of the effect of amino acid changes on protein structure and function yielded predictions that this variant is benign. Based on the available information, we are unable to determine the clinical significance of this variant.

Myriad Genetics, Inc.
Classification: Benign for Breast-ovarian cancer, familial, susceptibility to, 2. Last evaluated: 2024-01-23. Review status: criteria provided, single submitter. Criteria: Myriad Autosomal Dominant, Autosomal Recessive and X-Linked Classification Criteria (2023). Collection method: clinical testing. Allele origin: unknown.
Comment: This variant is considered benign. This variant has been observed in trans with a known pathogenic variant in one or more individuals lacking clinical features consistent with gene-specific recessive disease. This variant is strongly associated with less severe personal and family histories of cancer, typical for individuals without pathogenic variants in this gene [PMID: 25085752].

Baylor Genetics
Classification: Uncertain significance for Familial cancer of breast. Last evaluated: 2023-12-12. Review status: criteria provided, single submitter. Criteria: ACMG Guidelines, 2015. Collection method: clinical testing. Allele origin: unknown.

All of Us Research Program, National Institutes of Health
Classification: Likely benign for Breast-ovarian cancer, familial, susceptibility to, 2. Last evaluated: 2023-07-10. Review status: criteria provided, single submitter. Criteria: ACMG Guidelines, 2015. Collection method: clinical testing. Allele origin: germline. Inheritance: Autosomal dominant inheritance. Observed: 2 variant alleles, 2 heterozygotes.
Comment: This study involves interpretation of variants in research participants for the purpose of population health screening. Participant phenotype was not available at the time of variant classification. Additional details can be found in publication PMID: 35346344, PMCID: PMC8962531

GeneDx
Classification: Uncertain significance. Last evaluated: 2020-08-31. Review status: criteria provided, single submitter. Criteria: GeneDx Variant Classification Process June 2021. Collection method: clinical testing. Allele origin: germline. Affected: yes.
Comment: Not observed at a significant frequency in large population cohorts (Lek 2016); In silico analysis supports that this missense variant does not alter protein structure/function; Observed in individuals with personal or family history of breast or ovarian cancer (Caminsky 2016); Also known as 9844C>G; This variant is associated with the following publications: (PMID: 31131967, 26898890)

Color Diagnostics, LLC DBA Color Health
Classification: Likely benign for Hereditary cancer-predisposing syndrome. Last evaluated: 2016-10-17. Review status: criteria provided, single submitter. Criteria: ACMG Guidelines, 2015. Collection method: clinical testing. Allele origin: germline.

Sharing Clinical Reports Project (SCRP)
Classification: Uncertain significance for Breast-ovarian cancer, familial 2. Last evaluated: 2010-12-13. Review status: no assertion criteria provided. Collection method: clinical testing. Allele origin: germline. Not counted in ClinVar's aggregate classification.

Breast Cancer Information Core (BIC) (BRCA2)
Classification: Uncertain significance for Breast-ovarian cancer, familial 2. Last evaluated: 2004-02-20. Review status: no assertion criteria provided. Collection method: clinical testing. Allele origin: germline. Affected: yes. Observed: 2 variant alleles. Not counted in ClinVar's aggregate classification.

Literature cited by the submitters: PubMed 34326862 (cited by Labcorp Genetics (formerly Invitae), Labcorp and Quest Diagnostics Nichols Institute San Juan Capistrano); PubMed 26898890 (cited by Ambry Genetics and Quest Diagnostics Nichols Institute San Juan Capistrano); PubMed 29684080 (cited by Ambry Genetics and Quest Diagnostics Nichols Institute San Juan Capistrano); PubMed 33471991 (cited by Ambry Genetics and Quest Diagnostics Nichols Institute San Juan Capistrano); PubMed 25085752 (cited by Myriad Genetics, Inc.).

NM_000059.4(BRCA2):c.9616C>G (p.Gln3206Glu)

Gene: BRCA2 (BRCA2 DNA repair associated; plus strand). Cytogenetic location: 13q13.1.
Variant type: single nucleotide variant.
Coding change: c.9616C>G on transcript NM_000059.4 (MANE Select); coding-DNA position 9616, C replaced by G.
Protein change: p.Gln3206Glu; replaces glutamine 3206 with glutamic acid.
Molecular consequence: missense variant.
Genome position (GRCh38, 1-based): chr13:32,397,012, C>G. VCF-style: chr13-32397012-C-G. GRCh37 (hg19) VCF-style: chr13-32971149-C-G.
Other names: 9844C>G; short protein forms Q3206E.
Identifiers: ClinVar variation 38255 (VCV000038255.25), dbSNP rs80359233, ClinGen allele CA026236.
Genomic context (GRCh38, chr13:32,397,012, plus strand): 5'-GCAAATGATCCCAAGTGGTCCACCCCAACTAAAGACTGTACTTCAGGGCCGTACACTGCT[C>G]AAATCATTCCTGGTACAGGAAACAAGCTTCTGGTAAGTTAATGTAAACTCAAGGAATATT-3'
Protein context (NP_000050.3, residues 3196-3216): KDCTSGPYTA[Gln3206Glu]IIPGTGNKLL